The following is an entry in ClinVar:

NM_019066.5(MAGEL2):c.877G>A (p.Gly293Ser)

Gene: MAGEL2 (MAGE family member L2; minus strand). Cytogenetic location: 15q11.2.
Variant type: single nucleotide variant.
Coding change: c.877G>A on transcript NM_019066.5 (MANE Select); coding-DNA position 877, G replaced by A.
Protein change: p.Gly293Ser; replaces glycine 293 with serine.
Molecular consequence: missense variant.
Genome position (GRCh38, 1-based): chr15:23,646,866, C>T on the plus strand (G>A on the coding strand, the complement: MAGEL2 is on the minus strand). VCF-style: chr15-23646866-C-T. GRCh37 (hg19) VCF-style: chr15-23892013-C-T.
Other names: short protein forms G293S.
Identifiers: ClinVar variation 1028143 (VCV001028143.1), dbSNP rs983547801, ClinGen allele CA267660983.

ClinVar aggregate classification (germline): Uncertain significance (1 of 4 stars; one submission).

Conditions:
Schaaf-Yang syndrome (SHFYNG). Also called: Arthrogryposis, distal, with hypopituitarism, intellectual disability, and facial anomalies; MAGEL2-related Prader-Willi-like syndrome. Identifiers: Orphanet 398069, MedGen C5575066, MONDO:0014243, OMIM 615547.

Submission:

Baylor Genetics
Classification: Uncertain significance for Schaaf-Yang syndrome. Last evaluated: 2019-09-25. Review status: criteria provided, single submitter. Criteria: ACMG Guidelines, 2015. Collection method: clinical testing. Allele origin: unknown. Affected: yes.
Comment: This variant was determined to be of uncertain significance according to ACMG Guidelines, 2015 [PMID:25741868].